The following is an entry in ClinVar:

NM_182914.3(SYNE2):c.11090A>G (p.Asn3697Ser)

Gene: SYNE2 (spectrin repeat containing nuclear envelope protein 2; plus strand). Cytogenetic location: 14q23.2.
Variant type: single nucleotide variant.
Coding change: c.11090A>G on transcript NM_182914.3 (MANE Select); coding-DNA position 11090, A replaced by G.
Protein change: p.Asn3697Ser; replaces asparagine 3697 with serine.
Molecular consequence: missense variant.
Genome position (GRCh38, 1-based): chr14:64,078,533, A>G. VCF-style: chr14-64078533-A-G. GRCh37 (hg19) VCF-style: chr14-64545251-A-G.
Other names: c.11090A>G, p.Asn3697Ser (NM_015180.6); c.11090A>G (NM_182914.2); short protein forms N3697S.
Identifiers: ClinVar variation 1055448 (VCV001055448.10), dbSNP rs771556616, ClinGen allele CA7221698.

ClinVar aggregate classification (germline): Uncertain significance. Review status: criteria provided, multiple submitters, no conflicts (2 of 4 stars). 2 submissions from 2 submitters: Uncertain significance (2). Last evaluated 2025-08-24.

Conditions:
Emery-Dreifuss muscular dystrophy 5, autosomal dominant (EDMD5). Also called: EMERY-DREIFUSS MUSCULAR DYSTROPHY 5. Identifiers: Orphanet 261, MedGen C2751805, MONDO:0013072, OMIM 612999.

Allele frequency attached by ClinVar (database versions not stated): gnomAD exomes 0.00001 and 0.00002; TOPMed 0.00001; ExAC 0.00003.
gnomAD v4.1: 11 of 1,614,126 alleles (0.00068%); highest among the groups gnomAD compares: Admixed American, 0.0033%; no homozygotes.

Submissions (2):

Ambry Genetics
Classification: Uncertain significance. Last evaluated: 2025-08-24. Review status: criteria provided, single submitter. Criteria: Ambry Variant Classification Scheme 2023. Collection method: clinical testing. Allele origin: germline.

Labcorp Genetics (formerly Invitae), Labcorp
Classification: Uncertain significance for Emery-Dreifuss muscular dystrophy 5, autosomal dominant. Last evaluated: 2022-06-20. Review status: criteria provided, single submitter. Criteria: Invitae Variant Classification Sherloc (09022015). Collection method: clinical testing. Allele origin: germline.
Comment: In summary, the available evidence is currently insufficient to determine the role of this variant in disease. Therefore, it has been classified as a Variant of Uncertain Significance. This sequence change replaces asparagine, which is neutral and polar, with serine, which is neutral and polar, at codon 3697 of the SYNE2 protein (p.Asn3697Ser). This variant is present in population databases (rs771556616, gnomAD 0.006%). ClinVar contains an entry for this variant (Variation ID: 1055448). Algorithms developed to predict the effect of missense changes on protein structure and function output the following: SIFT: "Tolerated"; PolyPhen-2: "Benign"; Align-GVGD: "Class C0". The serine amino acid residue is found in multiple mammalian species, which suggests that this missense change does not adversely affect protein function. This variant has not been reported in the literature in individuals affected with SYNE2-related conditions.